The following is an entry in ClinVar:

NM_002834.5(PTPN11):c.1020C>A (p.Asp340Glu)

Gene: PTPN11 (protein tyrosine phosphatase non-receptor type 11; plus strand). Cytogenetic location: 12q24.13.
Variant type: single nucleotide variant.
Coding change: c.1020C>A on transcript NM_002834.5 (MANE Select); coding-DNA position 1020, C replaced by A.
Protein change: p.Asp340Glu; replaces aspartic acid 340 with glutamic acid.
Molecular consequence: missense variant.
Genome position (GRCh38, 1-based): chr12:112,477,943, C>A. VCF-style: chr12-112477943-C-A. GRCh37 (hg19) VCF-style: chr12-112915747-C-A.
Other names: c.1020C>A, p.Asp340Glu (NM_001330437.2, NM_080601.3); c.1017C>A, p.Asp339Glu (NM_001374625.1); short protein forms D339E, D340E.
Identifiers: ClinVar variation 4614782 (VCV004614782.1).

ClinVar aggregate classification (germline): Uncertain significance (1 of 4 stars; one submission).

Conditions:
Cardiovascular phenotype. Identifiers: MedGen CN230736.

Submission:

Ambry Genetics
Classification: Uncertain significance for Cardiovascular phenotype. Last evaluated: 2025-11-22. Review status: criteria provided, single submitter. Criteria: Ambry Variant Classification Scheme 2023. Collection method: clinical testing. Allele origin: germline.
Comment: The p.D340E variant (also known as c.1020C>A), located in coding exon 9 of the PTPN11 gene, results from a C to A substitution at nucleotide position 1020. The aspartic acid at codon 340 is replaced by glutamic acid, an amino acid with highly similar properties. This amino acid position is conserved. In addition, this alteration is predicted to be deleterious by in silico analysis. Based on the available evidence, the clinical significance of this variant remains unclear.